The following is an entry in ClinVar:

ClinVar aggregate classification (germline): Uncertain significance (1 of 4 stars; one submission).

Conditions:
Peroxisome biogenesis disorder 12A (Zellweger). Also called: Peroxisome biogenesis disorder 12A. Identifiers: Orphanet 912, MedGen C3554002, MONDO:0013951, OMIM 614886.

Submission:

Labcorp Genetics (formerly Invitae), Labcorp
Classification: Uncertain significance for Peroxisome biogenesis disorder 12A (Zellweger). Last evaluated: 2023-10-03. Review status: criteria provided, single submitter. Criteria: Invitae Variant Classification Sherloc (09022015). Collection method: clinical testing. Allele origin: germline.
Comment: This sequence change replaces glycine, which is neutral and non-polar, with serine, which is neutral and polar, at codon 262 of the PEX19 protein (p.Gly262Ser). This variant is not present in population databases (gnomAD no frequency). This variant has not been reported in the literature in individuals affected with PEX19-related conditions. ClinVar contains an entry for this variant (Variation ID: 2047787). Advanced modeling of protein sequence and biophysical properties (such as structural, functional, and spatial information, amino acid conservation, physicochemical variation, residue mobility, and thermodynamic stability) performed at Invitae indicates that this missense variant is expected to disrupt PEX19 protein function. In summary, the available evidence is currently insufficient to determine the role of this variant in disease. Therefore, it has been classified as a Variant of Uncertain Significance.

NM_002857.4(PEX19):c.784G>A (p.Gly262Ser)

Gene: PEX19 (peroxisomal biogenesis factor 19; minus strand). Cytogenetic location: 1q23.2.
Variant type: single nucleotide variant.
Coding change: c.784G>A on transcript NM_002857.4 (MANE Select); coding-DNA position 784, G replaced by A.
Protein change: p.Gly262Ser; replaces glycine 262 with serine.
Molecular consequence: missense variant. On other transcripts: non-coding transcript variant (2).
Genome position (GRCh38, 1-based): chr1:160,279,833, C>T on the plus strand (G>A on the coding strand, the complement: PEX19 is on the minus strand). VCF-style: chr1-160279833-C-T. GRCh37 (hg19) VCF-style: chr1-160249623-C-T.
Other names: c.784G>A, p.Gly262Ser (NM_001193644.1); short protein forms G262S.
Identifiers: ClinVar variation 2047787 (VCV002047787.4), dbSNP rs2525303709, ClinGen allele CA343256503.